The following is an entry in ClinVar:

NM_032447.5(FBN3):c.7850G>T (p.Arg2617Leu)

Gene: FBN3 (fibrillin 3; minus strand). Cytogenetic location: 19p13.2.
Variant type: single nucleotide variant.
Coding change: c.7850G>T on transcript NM_032447.5 (MANE Select); coding-DNA position 7850, G replaced by T.
Protein change: p.Arg2617Leu; replaces arginine 2617 with leucine.
Molecular consequence: missense variant.
Genome position (GRCh38, 1-based): chr19:8,073,150, C>A on the plus strand (G>T on the coding strand, the complement: FBN3 is on the minus strand). VCF-style: chr19-8073150-C-A. GRCh37 (hg19) VCF-style: chr19-8138034-C-A.
Other names: c.7850G>T, p.Arg2617Leu (NM_001321431.2); short protein forms R2617L.
Identifiers: ClinVar variation 2961017 (VCV002961017.3), dbSNP rs774056144, ClinGen allele CA9150725.
Genomic context (GRCh38, chr19:8,073,150, plus strand): 5'-GGACAGCCGCACAGGAAGCCACCAGGCGTGTTGGCACAGCTGTAGCTACAGGGGCCACGC[C>A]GTCCGGCGCACTCATCCACCTCCTGGCAGCCCCCGAGGGCCTGATCAAAGTCAAAGCCAG-3'
Protein context (NP_115823.3, residues 2607-2627): GCQEVDECAG[Arg2617Leu]RGPCSYSCAN

ClinVar aggregate classification (germline): Uncertain significance (1 of 4 stars; one submission).

gnomAD v4.1: 41 of 1,613,772 alleles (0.0025%); highest among the groups gnomAD compares: Non-Finnish European, 0.0033%; no homozygotes.

Submission:

Labcorp Genetics (formerly Invitae), Labcorp
Classification: Uncertain significance. Last evaluated: 2025-09-15. Review status: criteria provided, single submitter. Criteria: Invitae Variant Classification Sherloc (09022015). Collection method: clinical testing. Allele origin: germline.
Comment: This sequence change replaces arginine, which is basic and polar, with leucine, which is neutral and non-polar, at codon 2617 of the FBN3 protein (p.Arg2617Leu). This variant is present in population databases (rs774056144, gnomAD 0.006%). This variant has not been reported in the literature in individuals affected with FBN3-related conditions. ClinVar contains an entry for this variant (Variation ID: 2961017). Invitae Evidence Modeling of protein sequence and biophysical properties (such as structural, functional, and spatial information, amino acid conservation, physicochemical variation, residue mobility, and thermodynamic stability) indicates that this missense variant is not expected to disrupt FBN3 protein function with a negative predictive value of 80%. In summary, the available evidence is currently insufficient to determine the role of this variant in disease. Therefore, it has been classified as a Variant of Uncertain Significance.